The following is an entry in ClinVar:

NM_000543.5(SMPD1):c.84del (p.Gly29fs)

Genes: SMPD1 (sphingomyelin phosphodiesterase 1; plus strand), LOC130005193 (ATAC-STARR-seq lymphoblastoid silent region 3099; plus strand). Cytogenetic location: 11p15.4.
Variant type: Deletion.
Coding change: c.84del on transcript NM_000543.5 (MANE Select); coding-DNA position 84, one base deleted (C; older notation c.84delC).
Protein change: p.Gly29fs; shifts the reading frame from glycine 29.
Molecular consequence: frameshift variant. On other transcripts: 5 prime UTR variant (1), non-coding transcript variant (2).
Genome position (GRCh38, 1-based): chr11:6,390,682, C deleted; the last of 5 consecutive C bases (chr11:6,390,678-6,390,682); deleting any one gives the same sequence. VCF-style (leftmost placement, unchanged base first): chr11-6390677-GC-G. GRCh37 (hg19) VCF-style: chr11-6411907-GC-G.
Other names: c.84del, p.Gly29fs (NM_001007593.3, NM_001318087.2, NM_001365135.2); c.-878del (NM_001318088.2); short protein forms G29fs.
Identifiers: ClinVar variation 551367 (VCV000551367.18), dbSNP rs750157176, ClinGen allele CA5852467.

ClinVar aggregate classification (germline): Pathogenic. Review status: criteria provided, multiple submitters, no conflicts (2 of 4 stars). 7 submissions from 7 submitters: Pathogenic (6). 1 of the submissions does not count toward it. Last evaluated 2024-12-30.

Conditions:
Niemann-Pick disease, type A. Also called: SPHINGOMYELIN LIPIDOSIS; SPHINGOMYELINASE DEFICIENCY; Infantile Neurovisceral ASMD (Niemann-Pick Disease Type A; NPD-A). Identifiers: Orphanet 77292, MedGen C0268242, MONDO:0009756, OMIM 257200. Disease mechanism: loss of function.
Niemann-Pick disease, type B. Also called: Chronic Visceral ASMD (Niemann-Pick Disease Type B; NPD-B). Identifiers: Orphanet 77293, MedGen C0268243, MONDO:0011871, OMIM 607616. Disease mechanism: loss of function.
Sphingomyelin/cholesterol lipidosis. Also called: Niemann-Pick disease. Identifiers: MedGen C0028064, MONDO:0001982.

Submissions (7):

Natera, Inc.
Classification: Pathogenic for Niemann-Pick Disease, Types A/B. Last evaluated: 2024-12-30. Review status: criteria provided, single submitter. Criteria: Natera Variant Classification Schema (03/2026). Collection method: clinical testing. Allele origin: germline.
Comment: The c.84delC variant in SMPD1 is a frameshift variant predicted to shift the reading frame beginning at codon 29 and leads to a stop codon 48 codons downstream. This variant is expected to result in nonsense mediated decay, truncation, or a dysfunctional protein product. This variant is rare in the general population with a frequency below the threshold expected for the associated phenotype(s). This variant has been observed in one or more individuals affected with the associated recessive disease, as either homozygous or compound heterozygous with a second variant (PMID: 23252888, 12556236). Given the available evidence, this variant is classified as Pathogenic.

Fulgent Genetics
Classification: Pathogenic for Niemann-Pick disease, type A; Niemann-Pick disease, type B. Last evaluated: 2024-06-07. Review status: criteria provided, single submitter. Criteria: ACMG Guidelines, 2015. Collection method: clinical testing. Allele origin: germline.

Labcorp Genetics (formerly Invitae), Labcorp
Classification: Pathogenic for Niemann-Pick disease, type B; Niemann-Pick disease, type A. Last evaluated: 2024-04-24. Review status: criteria provided, single submitter. Criteria: Invitae Variant Classification Sherloc (09022015). Collection method: clinical testing. Allele origin: germline.
Comment: This sequence change creates a premature translational stop signal (p.Gly29Aspfs*48) in the SMPD1 gene. It is expected to result in an absent or disrupted protein product. Loss-of-function variants in SMPD1 are known to be pathogenic (PMID: 12369017, 15221801). This variant is present in population databases (rs750157176, gnomAD 0.006%). This premature translational stop signal has been observed in individual(s) with Neimann-Pick disease (PMID: 12556236, 23252888). ClinVar contains an entry for this variant (Variation ID: 551367). For these reasons, this variant has been classified as Pathogenic.

Baylor Genetics
Classification: Pathogenic for Niemann-Pick disease, type A. Last evaluated: 2021-11-23. Review status: criteria provided, single submitter. Criteria: ACMG Guidelines, 2015. Collection method: clinical testing. Allele origin: unknown.

Women's Health and Genetics/Laboratory Corporation of America, LabCorp
Classification: Pathogenic for Sphingomyelin/cholesterol lipidosis. Last evaluated: 2020-11-23. Review status: criteria provided, single submitter. Criteria: LabCorp Variant Classification Summary - May 2015. Collection method: clinical testing. Allele origin: germline.
Comment: Variant summary: SMPD1 c.84delC (p.Gly29AspfsX48) results in a premature termination codon, predicted to cause a truncation of the encoded protein or absence of the protein due to nonsense mediated decay, which are commonly known mechanisms for disease. Truncations downstream of this position have been classified as pathogenic by our laboratory. The variant allele was found at a frequency of 2e-05 in 244564 control chromosomes. c.84delC has been reported in the literature in individuals affected with Niemann-Pick Disease Type A (Sikora_2003, Irun_2013, Ordieres-Ortega_2020). These data indicate that the variant may be associated with disease. To our knowledge, no experimental evidence demonstrating an impact on protein function has been reported. One clinical diagnostic laboratory has submitted clinical-significance assessments for this variant to ClinVar after 2014 without evidence for independent evaluation and classified the variant as pathogenic. Based on the evidence outlined above, the variant was classified as pathogenic.

Juno Genomics, Hangzhou Juno Genomics, Inc
Classification: Pathogenic for Niemann-Pick disease, type A; Niemann-Pick disease, type B. Review status: criteria provided, single submitter. Criteria: ACMG Guidelines, 2015. Collection method: clinical testing. Allele origin: germline.
Comment: Absent from controls (or at extremely low frequency if recessive) in Genome Aggregation Database.;Null variant in a gene where loss of function (LOF) is a known mechanism of disease.;For recessive disorders, detected in trans with a pathogenic variant.;Patient's phenotype or family history is highly specific for a disease with a single genetic etiology.

Counsyl
Classification: Pathogenic for Niemann-Pick disease, type A. Last evaluated: 2017-04-05. Review status: no assertion criteria provided. Collection method: clinical testing. Allele origin: unknown. Not counted in ClinVar's aggregate classification.

Literature cited by the submitters: PubMed 23252888 (cited by 4 submitters); PubMed 12556236 (cited by 4 submitters); PubMed 12369017 (cited by Labcorp Genetics (formerly Invitae), Labcorp); PubMed 15221801 (cited by Labcorp Genetics (formerly Invitae), Labcorp); PubMed 32375665 (cited by Women's Health and Genetics/Laboratory Corporation of America, LabCorp); PubMed 15241805 (cited by Counsyl); PubMed 8053910 (cited by Counsyl); PubMed 16010684 (cited by Counsyl).